The following is an entry in ClinVar:

NC_000002.11:g.(?_44527110)_(44541090_?)dup

Gene: SLC3A1 (solute carrier family 3 member 1; plus strand). Cytogenetic location: 2p21.
Variant type: Duplication.
Identifiers: ClinVar variation 4526828 (VCV004526828.1).

ClinVar aggregate classification (germline): Pathogenic (1 of 4 stars; one submission).

Conditions:
Cystinuria (CSNU). Also called: CYSTINURIA, TYPE I; CYSTINURIA, TYPE II; CYSTINURIA, TYPE III; Cystinuria, non-type I. Identifiers: Orphanet 214, MedGen C0010691, MONDO:0009067, OMIM 220100, HP:0003131.

Submission:

Rare Kidney Stone Consortium and the Mayo Clinic Hyperoxaluria Center, Mayo Clinic
Classification: Pathogenic for Cystinuria. Last evaluated: 2025-10-03. Review status: criteria provided, single submitter. Criteria: ACMG Guidelines, 2015. Collection method: research. Allele origin: germline. Affected: yes. Observed: 2 variant alleles.
Comment: ACMG:PVS1, PM2, PP4

Literature cited by the submitters: PubMed 33262960; PubMed 35325889; PubMed 40794449.